The following is an entry in ClinVar:

ClinVar aggregate classification (germline): Conflicting classifications of pathogenicity. Review status: criteria provided, conflicting classifications (1 of 4 stars). 3 submissions from 3 submitters: Likely pathogenic (2); Uncertain significance (1). Last evaluated 2026-06-25.

Conditions:
Wilson disease (WND). Also called: Wilson's disease. Identifiers: Orphanet 905, MedGen C0019202, MONDO:0010200, OMIM 277900. Disease mechanism: loss of function.

Submissions (3):

Myriad Genetics, Inc.
Classification: Likely pathogenic for Wilson disease. Last evaluated: 2026-06-25. Review status: criteria provided, single submitter. Criteria: Myriad Autosomal Dominant, Autosomal Recessive and X-Linked Classification Criteria (2023). Collection method: clinical testing. Allele origin: unknown.
Comment: NM_000053.3(ATP7B):c.2621C>A(A874E) is a missense variant classified as likely pathogenic in the context of Wilson disease. A874E has been observed in cases with relevant disease (PMID: 26269689, 37020998). Relevant functional assessments of this variant are not available in the literature. A874E has not been observed in referenced population frequency databases. In summary, NM_000053.3(ATP7B):c.2621C>A(A874E) is a missense variant that has been observed more frequently in cases with the relevant disease than in healthy populations. Please note: this variant was assessed in the context of healthy population screening.

Fulgent Genetics
Classification: Likely pathogenic for Wilson disease. Last evaluated: 2024-03-24. Review status: criteria provided, single submitter. Criteria: ACMG Guidelines, 2015. Collection method: clinical testing. Allele origin: germline.

Labcorp Genetics (formerly Invitae), Labcorp
Classification: Uncertain significance for Wilson disease. Last evaluated: 2021-08-27. Review status: criteria provided, single submitter. Criteria: Invitae Variant Classification Sherloc (09022015). Collection method: clinical testing. Allele origin: germline.

Literature cited by the submitters: PubMed 26269689 (cited by Myriad Genetics, Inc.); PubMed 37020998 (cited by Myriad Genetics, Inc.).

NM_000053.4(ATP7B):c.2621C>A (p.Ala874Glu)

Gene: ATP7B (ATPase copper transporting beta; minus strand). Cytogenetic location: 13q14.3.
Variant type: single nucleotide variant.
Coding change: c.2621C>A on transcript NM_000053.4 (MANE Select); coding-DNA position 2621, C replaced by A.
Protein change: p.Ala874Glu; replaces alanine 874 with glutamic acid.
Molecular consequence: missense variant.
Genome position (GRCh38, 1-based): chr13:51,950,116, G>T on the plus strand (C>A on the coding strand, the complement: ATP7B is on the minus strand). VCF-style: chr13-51950116-G-T. GRCh37 (hg19) VCF-style: chr13-52524252-G-T.
Other names: c.2135C>A, p.Ala712Glu (NM_001005918.3); c.2288C>A, p.Ala763Glu (NM_001243182.2); c.2387C>A, p.Ala796Glu (NM_001330578.2); c.2369C>A, p.Ala790Glu (NM_001330579.2); short protein forms A712E, A763E, A790E, A796E, A874E.
Identifiers: ClinVar variation 1022669 (VCV001022669.6), dbSNP rs121907994, ClinGen allele CA388034776.